The following is an entry in ClinVar:

ClinVar aggregate classification (germline): Uncertain significance. Review status: criteria provided, multiple submitters, no conflicts (2 of 4 stars). 3 submissions from 3 submitters: Uncertain significance (3). Last evaluated 2025-07-15.

Conditions:
Proteinuria, chronic benign. Identifiers: MedGen C5394384, MONDO:0030042, OMIM 618884.
Imerslund-Grasbeck syndrome type 1 (IGS1). Also called: Megaloblastic anemia 1, Finnish type; Imerslund-Gräsbeck syndrome 1; MEGALOBLASTIC ANEMIA, 1. Identifiers: MedGen C4016819, MONDO:0100156, OMIM 261100.
Inborn genetic diseases. Identifiers: MedGen C0950123, MeSH D030342.
Imerslund-Grasbeck syndrome. Also called: ENTEROCYTE COBALAMIN MALABSORPTION; ENTEROCYTE INTRINSIC FACTOR RECEPTOR, DEFECT OF; Imerslund-Gräsbeck syndrome; Megaloblastic anemia due to inborn errors of metabolism; PERNICIOUS ANEMIA, JUVENILE, DUE TO SELECTIVE INTESTINAL MALABSORPTION OF VITAMIN B12, WITH PROTEINURIA. Identifiers: Orphanet 35858, MedGen C4551825, MONDO:0009853.

Allele frequency attached by ClinVar (database versions not stated): TOPMed 0.00002; ExAC 0.00006; 1000 Genomes Project 30x 0.00031; ESP Exome Variant Server 0.00008; gnomAD 0.00001; gnomAD exomes 0.00004 and 0.00006.
gnomAD v4.1: 92 of 1,613,720 alleles (0.0057%); highest among the groups gnomAD compares: Non-Finnish European, 0.0072%; no homozygotes.

Submissions (3):

Ambry Genetics
Classification: Uncertain significance for Inborn genetic diseases. Last evaluated: 2025-07-15. Review status: criteria provided, single submitter. Criteria: Ambry Variant Classification Scheme 2023. Collection method: clinical testing. Allele origin: germline.

Fulgent Genetics
Classification: Uncertain significance for Imerslund-Grasbeck syndrome type 1; Proteinuria, chronic benign. Last evaluated: 2022-05-26. Review status: criteria provided, single submitter. Criteria: ACMG Guidelines, 2015. Collection method: clinical testing. Allele origin: unknown.

Labcorp Genetics (formerly Invitae), Labcorp
Classification: Uncertain significance for Juvenile type megaloblastic anemia. Last evaluated: 2019-08-23. Review status: criteria provided, single submitter. Criteria: Invitae Variant Classification Sherloc (09022015). Collection method: clinical testing. Allele origin: germline.
Comment: This sequence change replaces arginine with tryptophan at codon 1541 of the CUBN protein (p.Arg1541Trp). The arginine residue is weakly conserved and there is a moderate physicochemical difference between arginine and tryptophan. This variant is present in population databases (rs146824506, ExAC 0.01%). This variant has not been reported in the literature in individuals with CUBN-related conditions. Algorithms developed to predict the effect of missense changes on protein structure and function are either unavailable or do not agree on the potential impact of this missense change (SIFT: "Deleterious"; PolyPhen-2: "Probably Damaging"; Align-GVGD: "Class C15"). In summary, the available evidence is currently insufficient to determine the role of this variant in disease. Therefore, it has been classified as a Variant of Uncertain Significance.

NM_001081.4(CUBN):c.4621C>T (p.Arg1541Trp)

Gene: CUBN (cubilin; minus strand). Cytogenetic location: 10p13.
Variant type: single nucleotide variant.
Coding change: c.4621C>T on transcript NM_001081.4 (MANE Select); coding-DNA position 4621, C replaced by T.
Protein change: p.Arg1541Trp; replaces arginine 1541 with tryptophan.
Molecular consequence: missense variant.
Genome position (GRCh38, 1-based): chr10:16,982,558, G>A on the plus strand (C>T on the coding strand, the complement: CUBN is on the minus strand). VCF-style: chr10-16982558-G-A. GRCh37 (hg19) VCF-style: chr10-17024557-G-A.
Other names: short protein forms R1541W.
Identifiers: ClinVar variation 933559 (VCV000933559.3), dbSNP rs146824506, ClinGen allele CA5424324.